The following is an entry in ClinVar:

NM_152564.5(VPS13B):c.7669G>A (p.Asp2557Asn)

Gene: VPS13B (vacuolar protein sorting 13 homolog B; plus strand). Cytogenetic location: 8q22.2.
Variant type: single nucleotide variant.
Coding change: c.7669G>A on transcript NM_152564.5 (MANE Select); coding-DNA position 7669, G replaced by A.
Protein change: p.Asp2557Asn; replaces aspartic acid 2557 with asparagine.
Molecular consequence: missense variant.
Genome position (GRCh38, 1-based): chr8:99,778,921, G>A. VCF-style: chr8-99778921-G-A. GRCh37 (hg19) VCF-style: chr8-100791149-G-A.
Other names: c.7669G>A (NM_152564.4); c.7744G>A, p.Asp2582Asn (NM_017890.5); short protein forms D2557N, D2582N.
Identifiers: ClinVar variation 585720 (VCV000585720.48), dbSNP rs773242093, ClinGen allele CA4824265.

ClinVar aggregate classification (germline): Conflicting classifications of pathogenicity. Review status: criteria provided, conflicting classifications (1 of 4 stars). 11 submissions from 11 submitters: Uncertain significance (8); Benign (1); Likely benign (1). 1 of the submissions does not count toward it. Last evaluated 2026-08-31.

Conditions:
Cohen syndrome (COH1). Also called: PEPPER SYNDROME; Cutis verticis gyrata, retinitis pigmentosa, and sensorineural deafness. Identifiers: Orphanet 193, MedGen C0265223, MONDO:0008999, OMIM 216550.
VPS13B-related disorder. Also called: VPS13B-related condition.
Inborn genetic diseases. Identifiers: MedGen C0950123, MeSH D030342.

Allele frequency attached by ClinVar (database versions not stated): ExAC 0.00009; gnomAD exomes 0.00019; TOPMed 0.00026; gnomAD 0.00029.
gnomAD v4.1: 362 of 1,613,790 alleles (0.022%); highest among the groups gnomAD compares: East Asian, 0.074%; no homozygotes.

Submissions (11):

PreventionGenetics, part of Exact Sciences
Classification: Uncertain significance for VPS13B-related condition. Last evaluated: 2026-08-31. Review status: criteria provided, single submitter. Criteria: ACMG Guidelines, 2015. Collection method: clinical testing. Allele origin: germline.
Comment: The VPS13B c.7669G>A variant is predicted to result in the amino acid substitution p.Asp2557Asn. To our knowledge, this variant has not been reported in the literature. This variant is reported in 0.040% of alleles in individuals of European (Finnish) descent in gnomAD. At this time, the clinical significance of this variant is uncertain due to the absence of conclusive functional and genetic evidence.

Labcorp Genetics (formerly Invitae), Labcorp
Classification: Benign for Cohen syndrome. Last evaluated: 2026-01-20. Review status: criteria provided, single submitter. Criteria: Invitae Variant Classification Sherloc (09022015). Collection method: clinical testing. Allele origin: germline.

CeGaT Center for Human Genetics Tuebingen
Classification: Uncertain significance. Last evaluated: 2025-09-01. Review status: criteria provided, single submitter. Criteria: CeGaT Center For Human Genetics Tuebingen Variant Classification Criteria Version 2. Collection method: clinical testing. Allele origin: germline. Affected: yes. Observed: 2 variant alleles.
Comment: VPS13B: PM2:Supporting, BP4

GeneDx
Classification: Uncertain significance. Last evaluated: 2025-06-20. Review status: criteria provided, single submitter. Criteria: GeneDx Variant Classification Process June 2021. Collection method: clinical testing. Allele origin: germline. Affected: yes.
Comment: In silico analysis suggests that this missense variant does not alter protein structure/function; Has not been previously published as pathogenic or benign to our knowledge

Laboratory of Genetics, Children's Clinical University Hospital Latvia
Classification: Likely benign. Last evaluated: 2025-02-16. Review status: criteria provided, single submitter. Criteria: ACMG Guidelines, 2015. Collection method: clinical testing. Allele origin: germline. Affected: yes.

Blueprint Genetics
Classification: Uncertain significance. Last evaluated: 2024-11-08. Review status: criteria provided, single submitter. Criteria: ACMG Guidelines, 2015. Collection method: clinical testing. Allele origin: germline.

Institute of Human Genetics, University of Leipzig Medical Center
Classification: Uncertain significance for Cohen syndrome. Last evaluated: 2019-01-01. Review status: criteria provided, single submitter. Criteria: ACMG Guidelines, 2015. Collection method: clinical testing. Allele origin: unknown. Affected: no.

Athena Diagnostics
Classification: Uncertain significance. Last evaluated: 2018-06-05. Review status: criteria provided, single submitter. Criteria: Athena Diagnostics Criteria. Collection method: clinical testing. Allele origin: germline.

Ambry Genetics
Classification: Uncertain significance for Inborn genetic diseases. Last evaluated: 2018-02-14. Review status: criteria provided, single submitter. Criteria: Ambry Variant Classification Scheme 2023. Collection method: clinical testing. Allele origin: germline.
Comment: The p.D2582N variant (also known as c.7744G>A), located in coding exon 41 of the VPS13B gene, results from a G to A substitution at nucleotide position 7744. The aspartic acid at codon 2582 is replaced by asparagine, an amino acid with highly similar properties. This amino acid position is not conserved however, asparagine is a reference amino acid in several species. In addition, this alteration is predicted to be tolerated by in silico analysis. Since supporting evidence is limited at this time, the clinical significance of this alteration remains unclear.

Baylor Genetics
Classification: Uncertain significance for Cohen syndrome. Last evaluated: 2018-01-29. Review status: criteria provided, single submitter. Criteria: ACMG Guidelines, 2015. Collection method: clinical testing. Allele origin: unknown. Affected: yes.
Comment: This variant was determined to be of uncertain significance according to ACMG Guidelines, 2015 [PMID:25741868].

Natera, Inc.
Classification: Uncertain significance for Cohen syndrome. Last evaluated: 2019-11-11. Review status: no assertion criteria provided. Collection method: clinical testing. Allele origin: germline. Not counted in ClinVar's aggregate classification.